The following is an entry in ClinVar:

ClinVar aggregate classification (germline): Uncertain significance (1 of 4 stars; one submission).

Conditions:
Cardiovascular phenotype. Identifiers: MedGen CN230736.

gnomAD v4.1: 14 of 1,612,720 alleles (0.00087%); highest among the groups gnomAD compares: Non-Finnish European, 0.0011%; no homozygotes.

Submission:

Ambry Genetics
Classification: Uncertain significance for Cardiovascular phenotype. Last evaluated: 2026-05-17. Review status: criteria provided, single submitter. Criteria: Ambry Variant Classification Scheme 2023. Collection method: clinical testing. Allele origin: germline.
Comment: The p.G1010R variant (also known as c.3028G>C), located in coding exon 37 of the CACNA2D1 gene, results from a G to C substitution at nucleotide position 3028. The glycine at codon 1010 is replaced by arginine, an amino acid with dissimilar properties. This amino acid position is conserved. In addition, this alteration is predicted to be tolerated by in silico analysis. Based on the available evidence, the clinical significance of this variant remains unclear.

NM_000722.4(CACNA2D1):c.3028G>C (p.Gly1010Arg)

Gene: CACNA2D1 (calcium voltage-gated channel auxiliary subunit alpha2delta 1; minus strand). Cytogenetic location: 7q21.11.
Variant type: single nucleotide variant.
Coding change: c.3028G>C on transcript NM_000722.4 (MANE Select); coding-DNA position 3028, G replaced by C.
Protein change: p.Gly1010Arg; replaces glycine 1010 with arginine.
Molecular consequence: missense variant.
Genome position (GRCh38, 1-based): chr7:81,959,768, C>G on the plus strand (G>C on the coding strand, the complement: CACNA2D1 is on the minus strand). VCF-style: chr7-81959768-C-G. GRCh37 (hg19) VCF-style: chr7-81589084-C-G.
Other names: c.3064G>C, p.Gly1022Arg (NM_001366867.1); short protein forms G1010R, G1022R.
Identifiers: ClinVar variation 4868112 (VCV004868112.1).